The following is an entry in ClinVar:

ClinVar aggregate classification (germline): Uncertain significance (1 of 4 stars; one submission).

Conditions:
Hereditary cancer-predisposing syndrome. Also called: Neoplastic Syndromes, Hereditary; Tumor predisposition; Hereditary Cancer Syndrome; Hereditary neoplastic syndrome. Identifiers: Orphanet 140162, MedGen C0027672, MeSH D009386, MONDO:0015356.

gnomAD v4.1: 2 of 1,613,970 alleles (0.00012%); highest among the groups gnomAD compares: East Asian, 0.0022%; no homozygotes.

Submission:

Ambry Genetics
Classification: Uncertain significance for Hereditary cancer-predisposing syndrome. Last evaluated: 2025-09-16. Review status: criteria provided, single submitter. Criteria: Ambry Variant Classification Scheme 2023. Collection method: clinical testing. Allele origin: germline.
Comment: The p.A1203P variant (also known as c.3607G>C), located in coding exon 18 of the BLM gene, results from a G to C substitution at nucleotide position 3607. The alanine at codon 1203 is replaced by proline, an amino acid with highly similar properties. This amino acid position is conserved. In addition, the in silico prediction for this alteration is inconclusive. Based on the available evidence, the clinical significance of this variant remains unclear.

NM_000057.4(BLM):c.3607G>C (p.Ala1203Pro)

Gene: BLM (BLM RecQ like helicase; plus strand). Cytogenetic location: 15q26.1.
Variant type: single nucleotide variant.
Coding change: c.3607G>C on transcript NM_000057.4 (MANE Select); coding-DNA position 3607, G replaced by C.
Protein change: p.Ala1203Pro; replaces alanine 1203 with proline.
Molecular consequence: missense variant. On other transcripts: intron variant (1).
Genome position (GRCh38, 1-based): chr15:90,804,215, G>C. VCF-style: chr15-90804215-G-C. GRCh37 (hg19) VCF-style: chr15-91347445-G-C.
Other names: c.3359-4922G>C (NM_001287247.2); c.3607G>C, p.Ala1203Pro (NM_001287246.2); c.2482G>C, p.Ala828Pro (NM_001287248.2); short protein forms A828P, A1203P.
Identifiers: ClinVar variation 4622420 (VCV004622420.1).